The following is an entry in ClinVar:

ClinVar aggregate classification (germline): Conflicting classifications of pathogenicity. Review status: criteria provided, conflicting classifications (1 of 4 stars). 4 submissions from 4 submitters: Uncertain significance (2); Likely benign (2). Last evaluated 2025-11-03.

Conditions:
FLNC-related disorder. Also called: FLNC-related disorders; FLNC-related condition.
Myofibrillar myopathy 5. Also called: Filaminopathy (type); FILAMINOPATHY, AUTOSOMAL DOMINANT. Identifiers: Orphanet 171445, MedGen C1836050, MONDO:0012289, OMIM 609524.
Hypertrophic cardiomyopathy 26. Also called: Cardiomyopathy, familial hypertrophic, 26. Identifiers: Orphanet 75249, MedGen C4310749, MONDO:0014883, OMIM 617047.
Distal myopathy with posterior leg and anterior hand involvement. Also called: WILLIAMS DISTAL MYOPATHY. Identifiers: Orphanet 63273, MedGen C3279722, MONDO:0013550, OMIM 614065.
Cardiovascular phenotype. Identifiers: MedGen CN230736.

Allele frequency attached by ClinVar (database versions not stated): gnomAD 0.00001; TOPMed 0.00001; gnomAD exomes 0.00002; ExAC 0.00003.
gnomAD v4.1: 29 of 1,613,278 alleles (0.0018%); highest among the groups gnomAD compares: Non-Finnish European, 0.0022%; no homozygotes.

Submissions (4):

Labcorp Genetics (formerly Invitae), Labcorp
Classification: Uncertain significance for Distal myopathy with posterior leg and anterior hand involvement; Myofibrillar myopathy 5; Hypertrophic cardiomyopathy 26. Last evaluated: 2025-11-03. Review status: criteria provided, single submitter. Criteria: Invitae Variant Classification Sherloc (09022015). Collection method: clinical testing. Allele origin: germline.
Comment: This sequence change falls in intron 36 of the FLNC gene. It does not directly change the encoded amino acid sequence of the FLNC protein. It affects a nucleotide within the consensus splice site. This variant is present in population databases (rs761548420, gnomAD 0.005%). This variant has not been reported in the literature in individuals affected with FLNC-related conditions. ClinVar contains an entry for this variant (Variation ID: 1009721). Variants that disrupt the consensus splice site are a relatively common cause of aberrant splicing (PMID: 17576681, 9536098). Algorithms developed to predict the effect of sequence changes on RNA splicing suggest that this variant is not likely to affect RNA splicing. In summary, the available evidence is currently insufficient to determine the role of this variant in disease. Therefore, it has been classified as a Variant of Uncertain Significance.

PreventionGenetics, part of Exact Sciences
Classification: Likely benign for FLNC-related condition. Last evaluated: 2025-06-20. Review status: criteria provided, single submitter. Criteria: ACMG Guidelines, 2015. Collection method: clinical testing. Allele origin: germline.
Comment: This variant is classified as likely benign based on ACMG/AMP sequence variant interpretation guidelines (Richards et al. 2015 PMID: 25741868, with internal and published modifications).

Molecular Diagnostic Laboratory for Inherited Cardiovascular Disease, Montreal Heart Institute
Classification: Uncertain significance for Cardiovascular phenotype. Last evaluated: 2025-04-09. Review status: criteria provided, single submitter. Criteria: ACMG Guidelines, 2015. Collection method: clinical testing. Allele origin: germline. Affected: yes.

Blueprint Genetics
Classification: Likely benign. Last evaluated: 2023-01-13. Review status: criteria provided, single submitter. Criteria: ACMG Guidelines, 2015. Collection method: clinical testing. Allele origin: germline.

Literature cited by the submitters: PubMed 17576681 (cited by Labcorp Genetics (formerly Invitae), Labcorp); PubMed 9536098 (cited by Labcorp Genetics (formerly Invitae), Labcorp).

NM_001458.5(FLNC):c.6004+6C>T

Genes: FLNC (filamin C; plus strand), FLNC-AS1 (FLNC antisense RNA 1; minus strand). Cytogenetic location: 7q32.1.
Variant type: single nucleotide variant.
Coding change: c.6004+6C>T on transcript NM_001458.5 (MANE Select); 6 bases into the intron after coding-DNA position 6004, C replaced by T.
Molecular consequence: intron variant.
Genome position (GRCh38, 1-based): chr7:128,852,758, C>T. VCF-style: chr7-128852758-C-T. GRCh37 (hg19) VCF-style: chr7-128492812-C-T.
Other names: c.5905+6C>T (NM_001127487.2); c.6004+6C>T (NM_001458.4).
Identifiers: ClinVar variation 1009721 (VCV001009721.10), dbSNP rs761548420, ClinGen allele CA4475850.